The following is an entry in ClinVar:

ClinVar aggregate classification (germline): Pathogenic (1 of 4 stars; one submission).

Submission:

GeneDx
Classification: Pathogenic. Last evaluated: 2026-09-28. Review status: criteria provided, single submitter. Criteria: GeneDx Variant Classification Process June 2021. Collection method: clinical testing. Allele origin: germline.
Comment: Canonical splice site variant predicted to result in a null allele in a gene for which loss of function is a known mechanism of disease; Not observed at significant frequency in large population cohorts (gnomAD); Has not been previously published as pathogenic or benign to our knowledge

NM_014795.4(ZEB2):c.3067+1G>A

Gene: ZEB2 (zinc finger E-box binding homeobox 2; minus strand). Cytogenetic location: 2q22.3.
Variant type: single nucleotide variant.
Coding change: c.3067+1G>A on transcript NM_014795.4 (MANE Select); the canonical splice donor site of the intron after coding-DNA position 3067, G replaced by A.
Molecular consequence: splice donor variant.
Genome position (GRCh38, 1-based): chr2:144,396,411, C>T on the plus strand (G>A on the coding strand, the complement: ZEB2 is on the minus strand). VCF-style: chr2-144396411-C-T. GRCh37 (hg19) VCF-style: chr2-145153978-C-T.
Other names: c.2995+1G>A (NM_001171653.2).
Identifiers: ClinVar variation 429990 (VCV000429990.6), dbSNP rs1131691714, ClinGen allele CA348703491.